The following is an entry in ClinVar:

ClinVar aggregate classification (germline): Uncertain significance (1 of 4 stars; one submission).

Conditions:
Cardiovascular phenotype. Identifiers: MedGen CN230736.

Allele frequency attached by ClinVar (database versions not stated): gnomAD 0.00001; TOPMed 0.00001.
gnomAD v4.1: 1 of 1,608,986 alleles (0.000062%); highest among the groups gnomAD compares: African/African-American, 0.0013%; no homozygotes.

Submission:

Ambry Genetics
Classification: Uncertain significance for Cardiovascular phenotype. Last evaluated: 2023-02-03. Review status: criteria provided, single submitter. Criteria: Ambry Variant Classification Scheme 2023. Collection method: clinical testing. Allele origin: germline.
Comment: The p.T127R variant (also known as c.380C>G), located in coding exon 4 of the AKAP9 gene, results from a C to G substitution at nucleotide position 380. The threonine at codon 127 is replaced by arginine, an amino acid with similar properties. This amino acid position is well conserved in available vertebrate species. In addition, this alteration is predicted to be tolerated by in silico analysis. Since supporting evidence is limited at this time, the clinical significance of this alteration remains unclear.

NM_005751.5(AKAP9):c.380C>G (p.Thr127Arg)

Gene: AKAP9 (A-kinase anchoring protein 9; plus strand). Cytogenetic location: 7q21.2.
Variant type: single nucleotide variant.
Coding change: c.380C>G on transcript NM_005751.5 (MANE Select); coding-DNA position 380, C replaced by G.
Protein change: p.Thr127Arg; replaces threonine 127 with arginine.
Molecular consequence: missense variant.
Genome position (GRCh38, 1-based): chr7:91,992,186, C>G. VCF-style: chr7-91992186-C-G. GRCh37 (hg19) VCF-style: chr7-91621500-C-G.
Other names: c.380C>G, p.Thr127Arg (NM_147185.3); short protein forms T127R.
Identifiers: ClinVar variation 1735130 (VCV001735130.3), dbSNP rs750656682, ClinGen allele CA368119264.